The following is an entry in ClinVar:

ClinVar aggregate classification (germline): Uncertain significance (1 of 4 stars; one submission).

Allele frequency attached by ClinVar (database versions not stated): ExAC 0.00003; gnomAD 0.00006; TOPMed 0.00006.
gnomAD v4.1: 42 of 1,613,970 alleles (0.0026%); highest among the groups gnomAD compares: African/African-American, 0.017%; no homozygotes.

Submission:

Labcorp Genetics (formerly Invitae), Labcorp
Classification: Uncertain significance. Last evaluated: 2024-11-05. Review status: criteria provided, single submitter. Criteria: Invitae Variant Classification Sherloc (09022015). Collection method: clinical testing. Allele origin: germline.
Comment: This sequence change replaces serine, which is neutral and polar, with leucine, which is neutral and non-polar, at codon 702 of the KIAA0556 protein (p.Ser702Leu). This variant is present in population databases (rs747200027, gnomAD 0.01%). This variant has not been reported in the literature in individuals affected with KIAA0556-related conditions. ClinVar contains an entry for this variant (Variation ID: 2415261). An algorithm developed to predict the effect of missense changes on protein structure and function outputs the following: PolyPhen-2: "Benign". The leucine amino acid residue is found in multiple mammalian species, which suggests that this missense change does not adversely affect protein function. In summary, the available evidence is currently insufficient to determine the role of this variant in disease. Therefore, it has been classified as a Variant of Uncertain Significance.

NM_015202.5(KATNIP):c.2105C>T (p.Ser702Leu)

Gene: KATNIP (katanin interacting protein; plus strand). Cytogenetic location: 16p12.1.
Variant type: single nucleotide variant.
Coding change: c.2105C>T on transcript NM_015202.5 (MANE Select); coding-DNA position 2105, C replaced by T.
Protein change: p.Ser702Leu; replaces serine 702 with leucine.
Molecular consequence: missense variant.
Genome position (GRCh38, 1-based): chr16:27,740,402, C>T. VCF-style: chr16-27740402-C-T. GRCh37 (hg19) VCF-style: chr16-27751723-C-T.
Other names: short protein forms S702L.
Identifiers: ClinVar variation 2415261 (VCV002415261.6), dbSNP rs747200027, ClinGen allele CA7977894.